The following is an entry in ClinVar:

NM_005802.5(TOPORS):c.554C>T (p.Thr185Ile)

Gene: TOPORS (TOP1 binding arginine/serine rich protein, E3 ubiquitin ligase; minus strand). Cytogenetic location: 9p21.1.
Variant type: single nucleotide variant.
Coding change: c.554C>T on transcript NM_005802.5 (MANE Select); coding-DNA position 554, C replaced by T.
Protein change: p.Thr185Ile; replaces threonine 185 with isoleucine.
Molecular consequence: missense variant.
Genome position (GRCh38, 1-based): chr9:32,543,971, G>A on the plus strand (C>T on the coding strand, the complement: TOPORS is on the minus strand). VCF-style: chr9-32543971-G-A. GRCh37 (hg19) VCF-style: chr9-32543969-G-A.
Other names: c.359C>T, p.Thr120Ile (NM_001195622.2); short protein forms T120I, T185I.
Identifiers: ClinVar variation 4775688 (VCV004775688.1).

ClinVar aggregate classification (germline): Uncertain significance (1 of 4 stars; one submission).

gnomAD v4.1: 8 of 1,614,094 alleles (0.0005%); highest among the groups gnomAD compares: Admixed American, 0.0017%; no homozygotes.

Submission:

Labcorp Genetics (formerly Invitae), Labcorp
Classification: Uncertain significance. Last evaluated: 2025-05-22. Review status: criteria provided, single submitter. Criteria: Invitae Variant Classification Sherloc (09022015). Collection method: clinical testing. Allele origin: germline.
Comment: This sequence change replaces threonine, which is neutral and polar, with isoleucine, which is neutral and non-polar, at codon 185 of the TOPORS protein (p.Thr185Ile). This variant is present in population databases (no rsID available, gnomAD 0.003%). This variant has not been reported in the literature in individuals affected with TOPORS-related conditions. An algorithm developed to predict the effect of missense changes on protein structure and function (PolyPhen-2) suggests that this variant is likely to be disruptive. In summary, the available evidence is currently insufficient to determine the role of this variant in disease. Therefore, it has been classified as a Variant of Uncertain Significance.